The following is an entry in ClinVar:

NM_016373.4(WWOX):c.641T>C (p.Phe214Ser)

Gene: WWOX (WW domain containing oxidoreductase; plus strand). Cytogenetic location: 16q23.1.
Variant type: single nucleotide variant.
Coding change: c.641T>C on transcript NM_016373.4 (MANE Select); coding-DNA position 641, T replaced by C.
Protein change: p.Phe214Ser; replaces phenylalanine 214 with serine.
Molecular consequence: missense variant.
Genome position (GRCh38, 1-based): chr16:78,424,905, T>C. VCF-style: chr16-78424905-T-C. GRCh37 (hg19) VCF-style: chr16-78458802-T-C.
Other names: c.302T>C, p.Phe101Ser (NM_001291997.2); short protein forms F101S, F214S.
Identifiers: ClinVar variation 1204180 (VCV001204180.3), dbSNP rs1474238209, ClinGen allele CA396842732.

ClinVar aggregate classification (germline): Uncertain significance (1 of 4 stars; one submission).

Allele frequency attached by ClinVar (database versions not stated): gnomAD exomes below 0.00001; TOPMed 0.00001.
gnomAD v4.1: 4 of 1,614,192 alleles (0.00025%); highest among the groups gnomAD compares: Non-Finnish European, 0.000085%; no homozygotes.

Submission:

GeneDx
Classification: Uncertain significance. Last evaluated: 2021-06-01. Review status: criteria provided, single submitter. Criteria: GeneDx Variant Classification Process June 2021. Collection method: clinical testing. Allele origin: germline. Affected: yes.
Comment: Not observed at significant frequency in large population cohorts (Lek et al., 2016); In silico analysis supports that this missense variant has a deleterious effect on protein structure/function; Has not been previously published as pathogenic or benign to our knowledge; This variant is associated with the following publications: (PMID: 27535533)